The following is an entry in ClinVar:

NM_003906.5(MCM3AP):c.1786A>T (p.Ile596Leu)

Gene: MCM3AP (minichromosome maintenance complex component 3 associated protein; minus strand). Cytogenetic location: 21q22.3.
Variant type: single nucleotide variant.
Coding change: c.1786A>T on transcript NM_003906.5 (MANE Select); coding-DNA position 1786, A replaced by T.
Protein change: p.Ile596Leu; replaces isoleucine 596 with leucine.
Molecular consequence: missense variant.
Genome position (GRCh38, 1-based): chr21:46,277,599, T>A on the plus strand (A>T on the coding strand, the complement: MCM3AP is on the minus strand). VCF-style: chr21-46277599-T-A. GRCh37 (hg19) VCF-style: chr21-47697513-T-A.
Other names: short protein forms I596L.
Identifiers: ClinVar variation 2126860 (VCV002126860.4), dbSNP rs35302603, ClinGen allele CA321976090.

ClinVar aggregate classification (germline): Uncertain significance (1 of 4 stars; one submission).

gnomAD v4.1: 1 of 1,611,552 alleles (0.000062%); highest among the groups gnomAD compares: African/African-American, 0.0013%; no homozygotes.

Submission:

Labcorp Genetics (formerly Invitae), Labcorp
Classification: Uncertain significance. Last evaluated: 2022-04-16. Review status: criteria provided, single submitter. Criteria: Invitae Variant Classification Sherloc (09022015). Collection method: clinical testing. Allele origin: germline.
Comment: In summary, the available evidence is currently insufficient to determine the role of this variant in disease. Therefore, it has been classified as a Variant of Uncertain Significance. Algorithms developed to predict the effect of missense changes on protein structure and function output the following: SIFT: "Tolerated"; PolyPhen-2: "Benign"; Align-GVGD: "Class C0". The leucine amino acid residue is found in multiple mammalian species, which suggests that this missense change does not adversely affect protein function. This variant has not been reported in the literature in individuals affected with MCM3AP-related conditions. This variant is not present in population databases (gnomAD no frequency). This sequence change replaces isoleucine, which is neutral and non-polar, with leucine, which is neutral and non-polar, at codon 596 of the MCM3AP protein (p.Ile596Leu).